The following is an entry in ClinVar:

NM_000163.5(GHR):c.619-22C>G

Gene: GHR (growth hormone receptor; plus strand). Cytogenetic location: 5p12.
Variant type: single nucleotide variant.
Coding change: c.619-22C>G on transcript NM_000163.5 (MANE Select); 22 bases into the intron before coding-DNA position 619, C replaced by G.
Molecular consequence: intron variant.
Genome position (GRCh38, 1-based): chr5:42,711,185, C>G. VCF-style: chr5-42711185-C-G. GRCh37 (hg19) VCF-style: chr5-42711287-C-G.
Other names: c.553-22C>G (NM_001242460.2); c.619-22C>G (NM_001242400.2, NM_001242401.4, NM_001242402.2 and 5 more transcripts); c.640-22C>G (NM_001242399.2).
Identifiers: ClinVar variation 4881020 (VCV004881020.2).

ClinVar aggregate classification (germline): Uncertain significance (1 of 4 stars; one submission).

gnomAD v4.1: 1 of 1,595,576 alleles (0.000063%); highest among the groups gnomAD compares: Non-Finnish European, 0.000086%; no homozygotes.

Submission:

Dasa
Classification: Uncertain significance. Last evaluated: 2025-11-26. Review status: criteria provided, single submitter. Criteria: DASA Assertion Criteria. Collection method: clinical testing. Allele origin: germline.
Comment: NM_000163.5(GHR):c.619-22C>G is an intronic variant. This variant is rare in population databases. The currently available literature and clinical evidence are not sufficient to establish a definitive association between this variant and the reported condition. Therefore, this variant is classified as a variant of uncertain significance.